The following is an entry in ClinVar:

ClinVar aggregate classification (germline): Likely benign. Review status: criteria provided, multiple submitters, no conflicts (2 of 4 stars). 4 submissions from 4 submitters: Likely benign (4). Last evaluated 2025-12-28.

Conditions:
Cardiovascular phenotype. Identifiers: MedGen CN230736.

Allele frequency attached by ClinVar (database versions not stated): gnomAD exomes 0.00005 and 0.00007; ExAC 0.00007; TOPMed 0.00007; gnomAD 0.00013.
gnomAD v4.1: 83 of 1,549,912 alleles (0.0054%); highest among the groups gnomAD compares: African/African-American, 0.019%; no homozygotes.

Submissions (4):

Labcorp Genetics (formerly Invitae), Labcorp
Classification: Likely benign. Last evaluated: 2025-12-28. Review status: criteria provided, single submitter. Criteria: Invitae Variant Classification Sherloc (09022015). Collection method: clinical testing. Allele origin: germline.

Mayo Clinic Laboratories, Mayo Clinic
Classification: Likely benign. Last evaluated: 2025-08-25. Review status: criteria provided, single submitter. Criteria: ACMG Guidelines, 2015. Collection method: clinical testing. Allele origin: germline. Observed: 1 variant allele.
Comment: BP4, BP7

Women's Health and Genetics/Laboratory Corporation of America, LabCorp
Classification: Likely benign. Last evaluated: 2025-02-21. Review status: criteria provided, single submitter. Criteria: LabCorp Variant Classification Summary - May 2015. Collection method: clinical testing. Allele origin: germline.

Ambry Genetics
Classification: Likely benign for Cardiovascular phenotype. Last evaluated: 2019-06-21. Review status: criteria provided, single submitter. Criteria: Ambry Variant Classification Scheme 2023. Collection method: clinical testing. Allele origin: germline.

NM_001367624.2(ZNF469):c.7497G>A (p.Pro2499=)

Gene: ZNF469 (zinc finger protein 469; plus strand). Cytogenetic location: 16q24.2.
Variant type: single nucleotide variant.
Coding change: c.7497G>A on transcript NM_001367624.2 (MANE Select); coding-DNA position 7497, G replaced by A.
Protein change: p.Pro2499=; no amino-acid change (proline 2499 retained).
Molecular consequence: synonymous variant.
Genome position (GRCh38, 1-based): chr16:88,434,967, G>A. VCF-style: chr16-88434967-G-A. GRCh37 (hg19) VCF-style: chr16-88501375-G-A.
Other names: p.Pro2499=.
Identifiers: ClinVar variation 320971 (VCV000320971.13), dbSNP rs768288160, ClinGen allele CA8225250.
Genomic context (GRCh38, chr16:88,434,967, plus strand): 5'-CTCCTTCCGCTCCGGGCCGGGCCTGAGCCGGCACAAGGCCAGGAAGCACCGGCCACACCC[G>A]GGAGCCCCCGCGGAGCCGAGCCCAGCGGCCTTGCCTGCTCAGCAGCCTCTAGAGCCCCTA-3'
Protein context (NP_001354553.1, residues 2489-2509): RHKARKHRPH[Pro2499=]GAPAEPSPAA